The following is an entry in ClinVar:

NM_177438.3(DICER1):c.827A>C (p.Glu276Ala)

Gene: DICER1 (dicer 1, ribonuclease III; minus strand). Cytogenetic location: 14q32.13.
Variant type: single nucleotide variant.
Coding change: c.827A>C on transcript NM_177438.3 (MANE Select); coding-DNA position 827, A replaced by C.
Protein change: p.Glu276Ala; replaces glutamic acid 276 with alanine.
Molecular consequence: missense variant.
Genome position (GRCh38, 1-based): chr14:95,126,656, T>G on the plus strand (A>C on the coding strand, the complement: DICER1 is on the minus strand). VCF-style: chr14-95126656-T-G. GRCh37 (hg19) VCF-style: chr14-95592993-T-G.
Other names: c.827A>C, p.Glu276Ala (NM_001195573.1, NM_001271282.3, NM_001291628.2 and 1 more transcripts); short protein forms E276A.
Identifiers: ClinVar variation 1018347 (VCV001018347.12), dbSNP rs1893486464, ClinGen allele CA390887607.

ClinVar aggregate classification (germline): Uncertain significance. Review status: criteria provided, multiple submitters, no conflicts (2 of 4 stars). 2 submissions from 2 submitters: Uncertain significance (2). Last evaluated 2024-06-16.

Conditions:
DICER1-related tumor predisposition. Also called: DICER1-related pleuropulmonary blastoma cancer predisposition syndrome; DICER1 syndrome. Identifiers: Orphanet 284343, MedGen C3839822, MONDO:0100216.
Hereditary cancer-predisposing syndrome. Also called: Tumor predisposition; Hereditary Cancer Syndrome; Neoplastic Syndromes, Hereditary; Hereditary neoplastic syndrome. Identifiers: Orphanet 140162, MedGen C0027672, MeSH D009386, MONDO:0015356.

Allele frequency attached by ClinVar (database versions not stated): gnomAD exomes below 0.00001.
gnomAD v4.1: 1 of 1,585,070 alleles (0.000063%); highest among the groups gnomAD compares: South Asian, 0.0011%; no homozygotes.

Submissions (2):

Labcorp Genetics (formerly Invitae), Labcorp
Classification: Uncertain significance for DICER1-related tumor predisposition. Last evaluated: 2024-06-16. Review status: criteria provided, single submitter. Criteria: Invitae Variant Classification Sherloc (09022015). Collection method: clinical testing. Allele origin: germline.
Comment: This sequence change replaces glutamic acid, which is acidic and polar, with alanine, which is neutral and non-polar, at codon 276 of the DICER1 protein (p.Glu276Ala). This variant is not present in population databases (gnomAD no frequency). This variant has not been reported in the literature in individuals affected with DICER1-related conditions. ClinVar contains an entry for this variant (Variation ID: 1018347). Advanced modeling of protein sequence and biophysical properties (such as structural, functional, and spatial information, amino acid conservation, physicochemical variation, residue mobility, and thermodynamic stability) performed at Invitae indicates that this missense variant is not expected to disrupt DICER1 protein function with a negative predictive value of 80%. In summary, the available evidence is currently insufficient to determine the role of this variant in disease. Therefore, it has been classified as a Variant of Uncertain Significance.

Ambry Genetics
Classification: Uncertain significance for Hereditary cancer-predisposing syndrome. Last evaluated: 2023-08-15. Review status: criteria provided, single submitter. Criteria: Ambry Variant Classification Scheme 2023. Collection method: clinical testing. Allele origin: germline.
Comment: The p.E276A variant (also known as c.827A>C), located in coding exon 6 of the DICER1 gene, results from an A to C substitution at nucleotide position 827. The glutamic acid at codon 276 is replaced by alanine, an amino acid with dissimilar properties. This amino acid position is well conserved in available vertebrate species. In addition, this alteration is predicted to be tolerated by in silico analysis. Since supporting evidence is limited at this time, the clinical significance of this alteration remains unclear.